The following is an entry in ClinVar:

NM_024009.3(GJB3):c.*231G>A

Gene: GJB3 (gap junction protein beta 3; plus strand). Cytogenetic location: 1p34.3.
Variant type: single nucleotide variant.
Coding change: c.*231G>A on transcript NM_024009.3 (MANE Select); 231 bases downstream of the stop codon, G replaced by A.
Molecular consequence: 3 prime UTR variant.
Genome position (GRCh38, 1-based): chr1:34,785,806, G>A. VCF-style: chr1-34785806-G-A. GRCh37 (hg19) VCF-style: chr1-35251407-G-A.
Other names: c.*231G>A (NM_001005752.2).
Identifiers: ClinVar variation 297202 (VCV000297202.7), dbSNP rs72898302, ClinGen allele CA10611067.
Genomic context (GRCh38, chr1:34,785,806, plus strand): 5'-GGTATAGGTAACCCACAGGCCCAGTGCCAGCCCTCAAAGGACATAGACTTTGAAACAAGC[G>A]AATTAACTATCTACGCTGCCTGCAAGGGGCCACTTAGGGCACTGCTAGCAGGGCTTCAAC-3'

ClinVar aggregate classification (germline): Likely benign. Review status: criteria provided, multiple submitters, no conflicts (2 of 4 stars). 2 submissions from 2 submitters: Likely benign (2). Last evaluated 2018-07-10.

Conditions:
Erythrokeratodermia variabilis et progressiva 1 (EKVP1). Also called: ERYTHROKERATODERMIA FIGURATA, CONGENITAL FAMILIAL, IN PLAQUES; ERYTHROKERATODERMIA VARIABILIS WITH ERYTHEMA GYRATUM REPENS; ERYTHROKERATODERMIA, PROGRESSIVE SYMMETRIC. Identifiers: Orphanet 317, MedGen C4551486, MONDO:0033010, OMIM 133200.

Allele frequency attached by ClinVar (database versions not stated): gnomAD exomes 0.00138; 1000 Genomes Project 0.01118; gnomAD 0.01142 and 0.01235; 1000 Genomes Project 30x 0.01171; TOPMed 0.01316.
gnomAD v4.1: 2,375 of 597,660 alleles (0.4%); highest among the groups gnomAD compares: African/African-American, 4%; 40 homozygotes.

Submissions (2):

GeneDx
Classification: Likely benign. Last evaluated: 2018-07-10. Review status: criteria provided, single submitter. Criteria: GeneDx Variant Classification Process June 2021. Collection method: clinical testing. Allele origin: germline. Affected: yes.

Illumina Laboratory Services, Illumina
Classification: Likely benign for Erythrokeratodermia variabilis et progressiva 1. Last evaluated: 2017-04-27. Review status: criteria provided, single submitter. Criteria: ICSL Variant Classification Criteria 13 December 2019. Collection method: clinical testing. Allele origin: germline.
Comment: This variant was observed as part of a predisposition screen in an ostensibly healthy population. A literature search was performed for the gene, cDNA change, and amino acid change (where applicable). No publications were found based on this search. Allele frequency data from public databases allowed determination this variant is unlikely to cause disease. Therefore, this variant is classified as likely benign.